The following is an entry in ClinVar:

NM_001369268.1(ACAN):c.1352G>C (p.Gly451Ala)

Gene: ACAN (aggrecan; plus strand). Cytogenetic location: 15q26.1.
Variant type: single nucleotide variant.
Coding change: c.1352G>C on transcript NM_001369268.1 (MANE Select); coding-DNA position 1352, G replaced by C.
Protein change: p.Gly451Ala; replaces glycine 451 with alanine.
Molecular consequence: missense variant.
Genome position (GRCh38, 1-based): chr15:88,845,805, G>C. VCF-style: chr15-88845805-G-C. GRCh37 (hg19) VCF-style: chr15-89389036-G-C.
Other names: c.1352G>C, p.Gly451Ala (NM_001135.4, NM_001411096.1, NM_001411097.1 and 1 more transcripts); c.1352G>C (NM_013227.3); short protein forms G451A.
Identifiers: ClinVar variation 2182261 (VCV002182261.9), dbSNP rs764588967, ClinGen allele CA7719523.

ClinVar aggregate classification (germline): Uncertain significance. Review status: criteria provided, multiple submitters, no conflicts (2 of 4 stars). 3 submissions from 3 submitters: Uncertain significance (3). Last evaluated 2026-02-01.

Conditions:
Inborn genetic diseases. Identifiers: MedGen C0950123, MeSH D030342.

Allele frequency attached by ClinVar (database versions not stated): gnomAD 0.00003; TOPMed 0.00003; ExAC 0.00006.
gnomAD v4.1: 151 of 1,562,186 alleles (0.0097%); highest among the groups gnomAD compares: Non-Finnish European, 0.013%; no homozygotes.

Submissions (3):

Labcorp Genetics (formerly Invitae), Labcorp
Classification: Uncertain significance. Last evaluated: 2026-02-01. Review status: criteria provided, single submitter. Criteria: Invitae Variant Classification Sherloc (09022015). Collection method: clinical testing. Allele origin: germline.
Comment: This sequence change replaces glycine, which is neutral and non-polar, with alanine, which is neutral and non-polar, at codon 451 of the ACAN protein (p.Gly451Ala). This variant is present in population databases (rs764588967, gnomAD 0.007%). This variant has not been reported in the literature in individuals affected with ACAN-related conditions. ClinVar contains an entry for this variant (Variation ID: 2182261). Invitae Evidence Modeling of protein sequence and biophysical properties (such as structural, functional, and spatial information, amino acid conservation, physicochemical variation, residue mobility, and thermodynamic stability) indicates that this missense variant is not expected to disrupt ACAN protein function with a negative predictive value of 80%. In summary, the available evidence is currently insufficient to determine the role of this variant in disease. Therefore, it has been classified as a Variant of Uncertain Significance.

CeGaT Center for Human Genetics Tuebingen
Classification: Uncertain significance. Last evaluated: 2026-01-01. Review status: criteria provided, single submitter. Criteria: CeGaT Center For Human Genetics Tuebingen Variant Classification Criteria Version 2. Collection method: clinical testing. Allele origin: germline. Affected: yes. Observed: 1 variant allele.
Comment: ACAN: PM2, BP4

Ambry Genetics
Classification: Uncertain significance for Inborn genetic diseases. Last evaluated: 2025-04-15. Review status: criteria provided, single submitter. Criteria: Ambry Variant Classification Scheme 2023. Collection method: clinical testing. Allele origin: germline.